The following is an entry in ClinVar:

ClinVar aggregate classification (germline): Uncertain significance. Review status: criteria provided, multiple submitters, no conflicts (2 of 4 stars). 3 submissions from 3 submitters: Uncertain significance (3). Last evaluated 2025-09-22.

Conditions:
Hereditary pheochromocytoma and paraganglioma. Also called: Hereditary pheochromocytoma-paraganglioma; Hereditary paragangliomas and pheochromocytomas; Hereditary Paraganglioma-Pheochromocytoma Syndromes. Identifiers: Orphanet 29072, MedGen C4274332, MONDO:0017366.
Hereditary cancer-predisposing syndrome. Also called: Neoplastic Syndromes, Hereditary; Tumor predisposition; Hereditary Cancer Syndrome; Hereditary neoplastic syndrome. Identifiers: Orphanet 140162, MedGen C0027672, MeSH D009386, MONDO:0015356.

Submissions (3):

Color Diagnostics, LLC DBA Color Health
Classification: Uncertain significance for Hereditary pheochromocytoma and paraganglioma. Last evaluated: 2025-09-22. Review status: criteria provided, single submitter. Criteria: ACMG Guidelines, 2015. Collection method: clinical testing. Allele origin: germline.
Comment: This missense variant replaces aspartic acid with tyrosine at codon 142 of the SDHAF2 protein. Computational prediction is inconclusive regarding the impact of this variant on protein structure and function. To our knowledge, functional studies have not been reported for this variant. This variant has not been reported in individuals affected with SDHAF2-related disorders in the literature. This variant has not been identified in the general population by the Genome Aggregation Database (gnomAD). The available evidence is insufficient to determine the role of this variant in disease conclusively. Therefore, this variant is classified as a Variant of Uncertain Significance.

Ambry Genetics
Classification: Uncertain significance for Hereditary cancer-predisposing syndrome. Last evaluated: 2025-07-12. Review status: criteria provided, single submitter. Criteria: Ambry Variant Classification Scheme 2023. Collection method: clinical testing. Allele origin: germline.
Comment: The p.D142Y variant (also known as c.424G>T), located in coding exon 4 of the SDHAF2 gene, results from a G to T substitution at nucleotide position 424. The aspartic acid at codon 142 is replaced by tyrosine, an amino acid with highly dissimilar properties. This amino acid position is conserved. In addition, the in silico prediction for this alteration is inconclusive. Since supporting evidence is limited at this time, the clinical significance of this alteration remains unclear.

Labcorp Genetics (formerly Invitae), Labcorp
Classification: Uncertain significance for Hereditary pheochromocytoma and paraganglioma. Last evaluated: 2023-10-23. Review status: criteria provided, single submitter. Criteria: Invitae Variant Classification Sherloc (09022015). Collection method: clinical testing. Allele origin: germline.
Comment: This sequence change replaces aspartic acid, which is acidic and polar, with tyrosine, which is neutral and polar, at codon 142 of the SDHAF2 protein (p.Asp142Tyr). This variant is not present in population databases (gnomAD no frequency). This variant has not been reported in the literature in individuals affected with SDHAF2-related conditions. ClinVar contains an entry for this variant (Variation ID: 1739079). An algorithm developed to predict the effect of missense changes on protein structure and function (PolyPhen-2) suggests that this variant is likely to be disruptive. In summary, the available evidence is currently insufficient to determine the role of this variant in disease. Therefore, it has been classified as a Variant of Uncertain Significance.

NM_017841.4(SDHAF2):c.424G>T (p.Asp142Tyr)

Gene: SDHAF2 (succinate dehydrogenase complex assembly factor 2; plus strand). Cytogenetic location: 11q12.2.
Variant type: single nucleotide variant.
Coding change: c.424G>T on transcript NM_017841.4 (MANE Select); coding-DNA position 424, G replaced by T.
Protein change: p.Asp142Tyr; replaces aspartic acid 142 with tyrosine.
Molecular consequence: missense variant.
Genome position (GRCh38, 1-based): chr11:61,445,994, G>T. VCF-style: chr11-61445994-G-T. GRCh37 (hg19) VCF-style: chr11-61213466-G-T.
Other names: short protein forms D142Y.
Identifiers: ClinVar variation 1739079 (VCV001739079.7), dbSNP rs2540133051, ClinGen allele CA380685362.
Genomic context (GRCh38, chr11:61,445,994, plus strand): 5'-CTTGCAGAAGCTAAACCAGCCCCAGAAATATTTGAAAATGAAGTCATGGCCCTGCTGAGA[G>T]ACTTTGCTAAAAACAAAAACAAAGAGCAGAGACTGCGTGCCCCAGATCTTGAGTACCTCT-3'
Protein context (NP_060311.1, residues 132-152): FENEVMALLR[Asp142Tyr]FAKNKNKEQR